The following is an entry in ClinVar:

ClinVar aggregate classification (germline): Benign (1 of 4 stars; one submission).

Allele frequency attached by ClinVar (database versions not stated): TOPMed 0.00023; 1000 Genomes Project 0.00040; 1000 Genomes Project 30x 0.00047.

Submission:

CeGaT Center for Human Genetics Tuebingen
Classification: Benign. Last evaluated: 2022-08-01. Review status: criteria provided, single submitter. Criteria: CeGaT Center For Human Genetics Tuebingen Variant Classification Criteria Version 2. Collection method: clinical testing. Allele origin: germline. Affected: yes. Observed: 1 variant allele.
Comment: GATAD2B: BS1, BS2

NC_000001.11:g.153799990G>A

Gene: GATAD2B (GATA zinc finger domain containing 2B; minus strand). Cytogenetic location: 1q21.3.
Variant type: single nucleotide variant.
Genome position: GRCh38 VCF-style: chr1-153799990-G-A. GRCh37 (hg19) VCF-style: chr1-153772466-G-A.
Identifiers: ClinVar variation 2639360 (VCV002639360.24), dbSNP rs149115596, ClinGen allele CA30746665.